The following is an entry in ClinVar:

NM_020935.3(USP37):c.863+1145_863+1152dup

Gene: USP37 (ubiquitin specific peptidase 37; minus strand). Cytogenetic location: 2q35.
Variant type: Duplication.
Coding change: c.863+1145_863+1152dup on transcript NM_020935.3 (MANE Select); bases 1145 to 1152 of the intron after coding-DNA position 863, 8 bases duplicated (TTTTTTTT; older notation c.863+1145_863+1152dupTTTTTTTT).
Molecular consequence: intron variant.
Genome position (GRCh38, 1-based): chr2:218,528,804-218,528,811, AAAAAAAA duplicated on the plus strand (TTTTTTTT on the coding strand, the reverse complement: USP37 is on the minus strand); duplicating any 8 consecutive bases within chr2:218,528,804-218,528,841 gives the same sequence; the c. name uses the placement nearest the transcript's 3' end. VCF-style (leftmost placement, unchanged base first): chr2-218528803-G-GAAAAAAAA. GRCh37 (hg19) VCF-style: chr2-219393526-G-GAAAAAAAA.
Identifiers: ClinVar variation 2651880 (VCV002651880.24), dbSNP rs58650311, ClinGen allele CA1042462939.
Genomic context (GRCh38, chr2:218,528,803, plus strand): 5'-GATCACATGTTCTCAACAAGTGCTTAGCAGGTATCTTATGTATTTATACCCAATAAATCT[G>GAAAAAAAA]AAAAAAAAAAAAAAAAAAAAAAAAAAAAAAAAAAAAAAGAGCTTATCTATAGAATTGGCA-3'

ClinVar aggregate classification (germline): Likely benign (1 of 4 stars; one submission).

Submission:

CeGaT Center for Human Genetics Tuebingen
Classification: Likely benign. Last evaluated: 2023-03-01. Review status: criteria provided, single submitter. Criteria: CeGaT Center For Human Genetics Tuebingen Variant Classification Criteria Version 2. Collection method: clinical testing. Allele origin: germline. Affected: yes. Observed: 1 variant allele.
Comment: USP37: BP4, BS2